The following is an entry in ClinVar:

ClinVar aggregate classification (germline): Conflicting classifications of pathogenicity. Review status: criteria provided, conflicting classifications (1 of 4 stars). 7 submissions from 1 submitter: Uncertain significance (1); Benign (5); Likely benign (1). Last evaluated 2018-01-13.

Conditions:
Stiff skin syndrome (SSKS). Identifiers: Orphanet 2833, MedGen C1861456, MONDO:0008492, OMIM 184900.
Weill-Marchesani syndrome. Also called: WM Syndrome; Mesodermal dysmorphodystrophy congenital. Identifiers: Orphanet 3449, MedGen C0265313, MONDO:0018096.
Acromicric dysplasia (ACMICD). Also called: Acromicric skeletal dysplasia. Identifiers: Orphanet 969, MedGen C0265287, MONDO:0007055, OMIM 102370.
Ectopia lentis 1, isolated, autosomal dominant (ECTOL1). Identifiers: Orphanet 1885, MedGen C3541518, MONDO:0007514, OMIM 129600.
Geleophysic dysplasia. Identifiers: Orphanet 2623, MedGen C3489726, MONDO:0000127.
Familial thoracic aortic aneurysm and aortic dissection (TAAD). Also called: Thoracic aortic aneurysms and dissections. Identifiers: Orphanet 91387, MedGen C4707243, MONDO:0019625.
Marfan syndrome (MFS). Also called: Marfan syndrome type 1; Marfan's syndrome; MARFAN SYNDROME, TYPE I; Marfan syndrome, classic; FBN1-Related Marfan Syndrome. Identifiers: Orphanet 284963, Orphanet 558, MedGen C0024796, MONDO:0007947, OMIM 154700.

Allele frequency attached by ClinVar (database versions not stated): gnomAD 0.00004 and 0.00005; TOPMed 0.00007; 1000 Genomes Project 0.00060.

Submissions (7):

Illumina Laboratory Services, Illumina
Classification: Benign for Stiff skin syndrome. Last evaluated: 2018-01-13. Review status: criteria provided, single submitter. Criteria: ICSL Variant Classification Criteria 13 December 2019. Collection method: clinical testing. Allele origin: germline.
Comment: This variant was observed in the ICSL laboratory as part of a predisposition screen in an ostensibly healthy population. It had not been previously curated by ICSL or reported in the Human Gene Mutation Database (HGMD: prior to June 1st, 2018), and was therefore a candidate for classification through an automated scoring system. Utilizing variant allele frequency, disease prevalence and penetrance estimates, and inheritance mode, an automated score was calculated to assess if this variant is too frequent to cause the disease. Based on the score and internal cut-off values, a variant classified as benign is not then subjected to further curation. The score for this variant resulted in a classification of benign for this disease.

Illumina Laboratory Services, Illumina
Classification: Benign for Weill-Marchesani syndrome. Last evaluated: 2018-01-13. Review status: criteria provided, single submitter. Criteria: ICSL Variant Classification Criteria 13 December 2019. Collection method: clinical testing. Allele origin: germline.
Comment: the same text as in the submission from Illumina Laboratory Services, Illumina above.

Illumina Laboratory Services, Illumina
Classification: Benign for Acromicric dysplasia. Last evaluated: 2018-01-13. Review status: criteria provided, single submitter. Criteria: ICSL Variant Classification Criteria 13 December 2019. Collection method: clinical testing. Allele origin: germline.
Comment: the same text as in the submission from Illumina Laboratory Services, Illumina above.

Illumina Laboratory Services, Illumina
Classification: Benign for Ectopia lentis 1, isolated, autosomal dominant. Last evaluated: 2018-01-13. Review status: criteria provided, single submitter. Criteria: ICSL Variant Classification Criteria 13 December 2019. Collection method: clinical testing. Allele origin: germline.
Comment: the same text as in the submission from Illumina Laboratory Services, Illumina above.

Illumina Laboratory Services, Illumina
Classification: Uncertain significance for Familial thoracic aortic aneurysm and aortic dissection. Last evaluated: 2018-01-13. Review status: criteria provided, single submitter. Criteria: ICSL Variant Classification Criteria 13 December 2019. Collection method: clinical testing. Allele origin: germline.

Illumina Laboratory Services, Illumina
Classification: Likely benign for Marfan syndrome. Last evaluated: 2018-01-13. Review status: criteria provided, single submitter. Criteria: ICSL Variant Classification Criteria 13 December 2019. Collection method: clinical testing. Allele origin: germline.
Comment: This variant was observed in the ICSL laboratory as part of a predisposition screen in an ostensibly healthy population. It had not been previously curated by ICSL or reported in the Human Gene Mutation Database (HGMD: prior to June 1st, 2018), and was therefore a candidate for classification through an automated scoring system. Utilizing variant allele frequency, disease prevalence and penetrance estimates, and inheritance mode, an automated score was calculated to assess if this variant is too frequent to cause the disease. Based on the score and internal cut-off values, a variant classified as likely benign is not then subjected to further curation. The score for this variant resulted in a classification of likely benign for this disease.

Illumina Laboratory Services, Illumina
Classification: Benign for Geleophysic dysplasia. Last evaluated: 2018-01-13. Review status: criteria provided, single submitter. Criteria: ICSL Variant Classification Criteria 13 December 2019. Collection method: clinical testing. Allele origin: germline.
Comment: the same text as in the submission from Illumina Laboratory Services, Illumina above.

NM_000138.5(FBN1):c.*1325T>C

Gene: FBN1 (fibrillin 1; minus strand). Cytogenetic location: 15q21.1.
Variant type: single nucleotide variant.
Coding change: c.*1325T>C on transcript NM_000138.5 (MANE Select); 1325 bases downstream of the stop codon, T replaced by C.
Molecular consequence: 3 prime UTR variant.
Genome position (GRCh38, 1-based): chr15:48,409,665, A>G on the plus strand (T>C on the coding strand, the complement: FBN1 is on the minus strand). VCF-style: chr15-48409665-A-G. GRCh37 (hg19) VCF-style: chr15-48701862-A-G.
Identifiers: ClinVar variation 316337 (VCV000316337.5), dbSNP rs569152308, ClinGen allele CA10642086.
Genomic context (GRCh38, chr15:48,409,665, plus strand): 5'-CAGTCTGGGATTATCCCTTTGTAATTAGATGAGCATTGACTAACGAAAGATGTTTAGGGG[A>G]AAAAAAAATGGAACAGAACACCTAAGGCTTGCCAAAACTGTGTATATTTGAGAGGGGGGC-3'